The following is an entry in ClinVar:

NM_001042492.3(NF1):c.6431A>G (p.Glu2144Gly)

Gene: NF1 (neurofibromin 1; plus strand). Cytogenetic location: 17q11.2.
Variant type: single nucleotide variant.
Coding change: c.6431A>G on transcript NM_001042492.3 (MANE Select); coding-DNA position 6431, A replaced by G.
Protein change: p.Glu2144Gly; replaces glutamic acid 2144 with glycine.
Molecular consequence: missense variant.
Genome position (GRCh38, 1-based): chr17:31,337,371, A>G. VCF-style: chr17-31337371-A-G. GRCh37 (hg19) VCF-style: chr17-29664389-A-G.
Other names: c.6368A>G, p.Glu2123Gly (NM_000267.4); short protein forms E2123G, E2144G.
Identifiers: ClinVar variation 854643 (VCV000854643.6), dbSNP rs2069703452, ClinGen allele CA399012993.

ClinVar aggregate classification (germline): Uncertain significance (1 of 4 stars; one submission).

Conditions:
Neurofibromatosis, type 1 (NF1). Also called: Neurofibromatosis, type I; VON RECKLINGHAUSEN DISEASE; Peripheral type neurofibromatosis; NEUROFIBROMATOSIS, TYPE I, SOMATIC. Identifiers: Orphanet 636, MedGen C0027831, MONDO:0018975, OMIM 162200. Disease mechanism: loss of function.

Submission:

Labcorp Genetics (formerly Invitae), Labcorp
Classification: Uncertain significance for Neurofibromatosis, type 1. Last evaluated: 2019-01-29. Review status: criteria provided, single submitter. Criteria: Invitae Variant Classification Sherloc (09022015). Collection method: clinical testing. Allele origin: germline.
Comment: In summary, the available evidence is currently insufficient to determine the role of this variant in disease. Therefore, it has been classified as a Variant of Uncertain Significance. Algorithms developed to predict the effect of missense changes on protein structure and function are either unavailable or do not agree on the potential impact of this missense change (SIFT: "Deleterious"; PolyPhen-2: "Probably Damaging"; Align-GVGD: "Class C0"). This variant has not been reported in the literature in individuals with NF1-related conditions. This variant is not present in population databases (ExAC no frequency). This sequence change replaces glutamic acid with glycine at codon 2123 of the NF1 protein (p.Glu2123Gly). The glutamic acid residue is moderately conserved and there is a moderate physicochemical difference between glutamic acid and glycine.